The following is an entry in ClinVar:

NM_001128148.3(TFRC):c.463C>T (p.Arg155Cys)

Gene: TFRC (transferrin receptor; minus strand). Cytogenetic location: 3q29.
Variant type: single nucleotide variant.
Coding change: c.463C>T on transcript NM_001128148.3 (MANE Select); coding-DNA position 463, C replaced by T.
Protein change: p.Arg155Cys; replaces arginine 155 with cysteine.
Molecular consequence: missense variant. On other transcripts: 5 prime UTR variant (1).
Genome position (GRCh38, 1-based): chr3:196,072,124, G>A on the plus strand (C>T on the coding strand, the complement: TFRC is on the minus strand). VCF-style: chr3-196072124-G-A. GRCh37 (hg19) VCF-style: chr3-195798995-G-A.
Other names: c.220C>T, p.Arg74Cys (NM_001313965.2); c.-384C>T (NM_001313966.2); c.463C>T, p.Arg155Cys (NM_003234.4); short protein forms R155C, R74C.
Identifiers: ClinVar variation 2970768 (VCV002970768.3), dbSNP rs377519674, ClinGen allele CA2778294.
Genomic context (GRCh38, chr3:196,072,124, plus strand): 5'-CACGAAATTGATTTTCAACATACAACGCAAGATTTTCATCTTTTTGAGATCCAGCCTCAC[G>A]AGGGACATATGAATTTTCATTCAGCAGCCTGGAGGAGAAAATGCCTTTTAAATGAACTTA-3'
Protein context (NP_001121620.1, residues 145-165): KLLNENSYVP[Arg155Cys]EAGSQKDENL

ClinVar aggregate classification (germline): Uncertain significance (1 of 4 stars; one submission).

Allele frequency attached by ClinVar (database versions not stated): gnomAD 0.00001; gnomAD exomes 0.00001; ExAC 0.00002; ESP Exome Variant Server 0.00008.
gnomAD v4.1: 16 of 1,613,754 alleles (0.00099%); highest among the groups gnomAD compares: African/African-American, 0.008%; no homozygotes.

Submission:

Labcorp Genetics (formerly Invitae), Labcorp
Classification: Uncertain significance. Last evaluated: 2025-01-13. Review status: criteria provided, single submitter. Criteria: Invitae Variant Classification Sherloc (09022015). Collection method: clinical testing. Allele origin: germline.
Comment: This sequence change replaces arginine, which is basic and polar, with cysteine, which is neutral and slightly polar, at codon 155 of the TFRC protein (p.Arg155Cys). This variant is present in population databases (rs377519674, gnomAD 0.01%). This variant has not been reported in the literature in individuals affected with TFRC-related conditions. ClinVar contains an entry for this variant (Variation ID: 2970768). Invitae Evidence Modeling of protein sequence and biophysical properties (such as structural, functional, and spatial information, amino acid conservation, physicochemical variation, residue mobility, and thermodynamic stability) indicates that this missense variant is not expected to disrupt TFRC protein function with a negative predictive value of 80%. In summary, the available evidence is currently insufficient to determine the role of this variant in disease. Therefore, it has been classified as a Variant of Uncertain Significance.